The following is an entry in ClinVar:

ClinVar aggregate classification (germline): Uncertain significance (1 of 4 stars; one submission).

Submission:

CeGaT Center for Human Genetics Tuebingen
Classification: Uncertain significance. Last evaluated: 2023-01-01. Review status: criteria provided, single submitter. Criteria: CeGaT Center For Human Genetics Tuebingen Variant Classification Criteria Version 2. Collection method: clinical testing. Allele origin: germline. Affected: yes. Observed: 1 variant allele.
Comment: KCNT1: PM2, BP4

NM_020822.3(KCNT1):c.3641G>C (p.Arg1214Pro)

Gene: KCNT1 (potassium sodium-activated channel subfamily T member 1; plus strand). Cytogenetic location: 9q34.3.
Variant type: single nucleotide variant.
Coding change: c.3641G>C on transcript NM_020822.3 (MANE Select); coding-DNA position 3641, G replaced by C.
Protein change: p.Arg1214Pro; replaces arginine 1214 with proline.
Molecular consequence: missense variant.
Genome position (GRCh38, 1-based): chr9:135,792,094, G>C. VCF-style: chr9-135792094-G-C. GRCh37 (hg19) VCF-style: chr9-138683940-G-C.
Other names: c.3569G>C, p.Arg1190Pro (NM_001272003.2); short protein forms R1190P, R1214P.
Identifiers: ClinVar variation 2499112 (VCV002499112.28), dbSNP rs138282349, ClinGen allele CA375494413.
Genomic context (GRCh38, chr9:135,792,094, plus strand): 5'-CCCGCAGCTATCTCATCCGCTCCGACCCCCTGGCTCACGTGGCCAGCAGCTCCCAGAGCC[G>C]GAAGAGCAGCTGCAGCCACAAGCTGTCGTCCTGCAACCCCGAGACTCGCGACGAGACACA-3'
Protein context (NP_065873.2, residues 1204-1224): LAHVASSSQS[Arg1214Pro]KSSCSHKLSS